The following is an entry in ClinVar:

NM_000321.3(RB1):c.1898C>T (p.Thr633Ile)

Gene: RB1 (RB transcriptional corepressor 1; plus strand). Cytogenetic location: 13q14.2.
Variant type: single nucleotide variant.
Coding change: c.1898C>T on transcript NM_000321.3 (MANE Select); coding-DNA position 1898, C replaced by T.
Protein change: p.Thr633Ile; replaces threonine 633 with isoleucine.
Molecular consequence: missense variant.
Genome position (GRCh38, 1-based): chr13:48,456,287, C>T. VCF-style: chr13-48456287-C-T. GRCh37 (hg19) VCF-style: chr13-49030423-C-T.
Other names: short protein forms T633I.
Identifiers: ClinVar variation 135121 (VCV000135121.17), dbSNP rs587778641, ClinGen allele CA026405.

ClinVar aggregate classification (germline): Benign/Likely benign. Review status: criteria provided, multiple submitters, no conflicts (2 of 4 stars). 4 submissions from 4 submitters: Benign (1); Likely benign (2). 1 of the submissions does not count toward it. Last evaluated 2025-11-19.

Conditions:
Hereditary cancer-predisposing syndrome. Also called: Tumor predisposition; Hereditary neoplastic syndrome; Neoplastic Syndromes, Hereditary; Hereditary Cancer Syndrome. Identifiers: Orphanet 140162, MedGen C0027672, MeSH D009386, MONDO:0015356.
Retinoblastoma (RB1). Also called: RETINOBLASTOMA, SOMATIC. Identifiers: Orphanet 790, MedGen C0035335, MeSH D012175, MONDO:0008380, OMIM 180200, HP:0009919. Disease mechanism: loss of function. Inheritance: Both sporadic and heritable forms are tested..

Allele frequency attached by ClinVar (database versions not stated): gnomAD exomes below 0.00001 and 0.00002; TOPMed below 0.00001.
gnomAD v4.1: 7 of 1,614,204 alleles (0.00043%); highest among the groups gnomAD compares: Non-Finnish European, 0.00051%; no homozygotes.

Submissions (4):

Labcorp Genetics (formerly Invitae), Labcorp
Classification: Benign for Retinoblastoma. Last evaluated: 2025-11-19. Review status: criteria provided, single submitter. Criteria: Invitae Variant Classification Sherloc (09022015). Collection method: clinical testing. Allele origin: germline.

All of Us Research Program, National Institutes of Health
Classification: Likely benign for Retinoblastoma. Last evaluated: 2024-01-11. Review status: criteria provided, single submitter. Criteria: ACMG Guidelines, 2015. Collection method: clinical testing. Allele origin: germline. Inheritance: Autosomal dominant inheritance. Observed: 3 variant alleles, 3 heterozygotes.
Comment: This study involves interpretation of variants in research participants for the purpose of population health screening. Participant phenotype was not available at the time of variant classification. Additional details can be found in publication PMID: 35346344, PMCID: PMC8962531

Ambry Genetics
Classification: Likely benign for Hereditary cancer-predisposing syndrome. Last evaluated: 2023-02-28. Review status: criteria provided, single submitter. Criteria: Ambry Variant Classification Scheme 2023. Collection method: clinical testing. Allele origin: germline.

ITMI
No classification provided. Condition: AllHighlyPenetrant. Last evaluated: 2013-09-19. Review status: no classification provided. Collection method: reference population. Allele origin: germline. Not counted in ClinVar's aggregate classification.
Comment: Please see associated publication for description of ethnicities

Literature cited by the submitters: PubMed 24728327 (cited by ITMI).